The following is an entry in ClinVar:

ClinVar aggregate classification (germline): Uncertain significance. Review status: criteria provided, multiple submitters, no conflicts (2 of 4 stars). 5 submissions from 5 submitters: Uncertain significance (5). Last evaluated 2024-07-08.

Conditions:
Hereditary cancer-predisposing syndrome. Also called: Hereditary neoplastic syndrome; Neoplastic Syndromes, Hereditary; Tumor predisposition; Hereditary Cancer Syndrome. Identifiers: Orphanet 140162, MedGen C0027672, MeSH D009386, MONDO:0015356.
Familial cancer of breast. Also called: BREAST CANCER, FAMILIAL; hereditary breast carcinoma; Hereditary breast cancer. Identifiers: Orphanet 227535, MedGen C0346153, MONDO:0016419, OMIM 114480. Disease mechanism: loss of function.

Allele frequency attached by ClinVar (database versions not stated): gnomAD exomes below 0.00001; ExAC 0.00001.
gnomAD v4.1: 1 of 1,586,854 alleles (0.000063%); highest among the groups gnomAD compares: South Asian, 0.0012%; no homozygotes.

Submissions (5):

Blueprint Genetics
Classification: Uncertain significance. Last evaluated: 2024-07-08. Review status: criteria provided, single submitter. Criteria: ACMG Guidelines, 2015. Collection method: clinical testing. Allele origin: germline.

Ambry Genetics
Classification: Uncertain significance for Hereditary cancer-predisposing syndrome. Last evaluated: 2023-09-19. Review status: criteria provided, single submitter. Criteria: Ambry Variant Classification Scheme 2023. Collection method: clinical testing. Allele origin: germline.
Comment: The p.D230G variant (also known as c.689A>G), located in coding exon 4 of the BARD1 gene, results from an A to G substitution at nucleotide position 689. The aspartic acid at codon 230 is replaced by glycine, an amino acid with similar properties. This amino acid position is well conserved in available vertebrate species. In addition, this alteration is predicted to be tolerated by in silico analysis. Since supporting evidence is limited at this time, the clinical significance of this alteration remains unclear.

Revvity Omics, Revvity
Classification: Uncertain significance. Last evaluated: 2022-06-01. Review status: criteria provided, single submitter. Criteria: ACMG Guidelines, 2015. Collection method: clinical testing. Allele origin: germline.

Labcorp Genetics (formerly Invitae), Labcorp
Classification: Uncertain significance for Familial cancer of breast. Last evaluated: 2021-10-12. Review status: criteria provided, single submitter. Criteria: Invitae Variant Classification Sherloc (09022015). Collection method: clinical testing. Allele origin: germline.
Comment: This sequence change replaces aspartic acid with glycine at codon 230 of the BARD1 protein (p.Asp230Gly). The aspartic acid residue is moderately conserved and there is a moderate physicochemical difference between aspartic acid and glycine. This variant is present in population databases (rs751384676, ExAC 0.009%). This variant has not been reported in the literature in individuals affected with BARD1-related conditions. ClinVar contains an entry for this variant (Variation ID: 495878). Algorithms developed to predict the effect of missense changes on protein structure and function output the following: SIFT: "Deleterious"; PolyPhen-2: "Benign"; Align-GVGD: "Class C0". The glycine amino acid residue is found in multiple mammalian species, which suggests that this missense change does not adversely affect protein function. In summary, the available evidence is currently insufficient to determine the role of this variant in disease. Therefore, it has been classified as a Variant of Uncertain Significance.

Women's Health and Genetics/Laboratory Corporation of America, LabCorp
Classification: Uncertain significance. Last evaluated: 2016-11-25. Review status: criteria provided, single submitter. Criteria: LabCorp Variant Classification Summary - May 2015. Collection method: clinical testing. Allele origin: germline.
Comment: Variant summary: The BARD1 c.689A>G (p.Asp230Gly) variant involves the alteration of a non-conserved nucleotide. 2/4 in silico tools predict a benign outcome for this variant (SNPs&GO not captured due to low reliability index). This variant was found in 1/115900 control chromosomes at a frequency of 0.0000086, which does not exceed the estimated maximal expected allele frequency of a pathogenic BARD1 variant (0.0002188). The variant of interest has not, to our knowledge, been reported in affected individuals via publications and/or reputable databases/clinical diagnostic laboratories; nor evaluated for functional impact by in vivo/vitro studies. Because of the absence of clinical information and the lack of functional studies, the variant is classified as a variant of uncertain significance (VUS) until additional information becomes available.

NM_000465.4(BARD1):c.689A>G (p.Asp230Gly)

Gene: BARD1 (BRCA1 associated RING domain 1; minus strand). Cytogenetic location: 2q35.
Variant type: single nucleotide variant.
Coding change: c.689A>G on transcript NM_000465.4 (MANE Select); coding-DNA position 689, A replaced by G.
Protein change: p.Asp230Gly; replaces aspartic acid 230 with glycine.
Molecular consequence: missense variant. On other transcripts: non-coding transcript variant (2), intron variant (3).
Genome position (GRCh38, 1-based): chr2:214,781,185, T>C on the plus strand (A>G on the coding strand, the complement: BARD1 is on the minus strand). VCF-style: chr2-214781185-T-C. GRCh37 (hg19) VCF-style: chr2-215645909-T-C.
Other names: c.632A>G, p.Asp211Gly (NM_001282543.2); c.158+28227A>G (NM_001282548.2); c.215+15876A>G (NM_001282545.2); c.364+11112A>G (NM_001282549.2); short protein forms D230G, D211G.
Identifiers: ClinVar variation 495878 (VCV000495878.13), dbSNP rs751384676, ClinGen allele CA2090395.
Genomic context (GRCh38, chr2:214,781,185, plus strand): 5'-GAGATAACAGATGGTTGGCTACAGAAGGATACCAGCTTTTGCTTAGATTCCTCTTTGGAG[T>C]CAAATTCACCATCTTCTTTTTCTGCCTCTAAATTCCATTTTTGGTTGATTTCAGCTAAAG-3'
Protein context (NP_000456.2, residues 220-240): LEAEKEDGEF[Asp230Gly]SKEESKQKLV